The following is an entry in ClinVar:

NM_003072.5(SMARCA4):c.1307C>A (p.Ala436Asp)

Gene: SMARCA4 (SWI/SNF related BAF chromatin remodeling complex subunit ATPase 4; plus strand). Cytogenetic location: 19p13.2.
Variant type: single nucleotide variant.
Coding change: c.1307C>A on transcript NM_003072.5 (MANE Select); coding-DNA position 1307, C replaced by A.
Protein change: p.Ala436Asp; replaces alanine 436 with aspartic acid.
Molecular consequence: missense variant. On other transcripts: non-coding transcript variant (1).
Genome position (GRCh38, 1-based): chr19:10,991,211, C>A. VCF-style: chr19-10991211-C-A. GRCh37 (hg19) VCF-style: chr19-11101887-C-A.
Other names: c.1307C>A, p.Ala436Asp (NM_001128844.3, NM_001128845.2, NM_001128846.2 and 4 more transcripts); short protein forms A436D.
Identifiers: ClinVar variation 1003832 (VCV001003832.8), dbSNP rs1600023098, ClinGen allele CA404060692.

ClinVar aggregate classification (germline): Uncertain significance (1 of 4 stars; one submission).

Conditions:
Rhabdoid tumor predisposition syndrome 2 (RTPS2). Identifiers: Orphanet 231108, Orphanet 69077, MedGen C2750074, MONDO:0013224, OMIM 613325.

Submission:

Labcorp Genetics (formerly Invitae), Labcorp
Classification: Uncertain significance for Rhabdoid tumor predisposition syndrome 2. Last evaluated: 2022-02-19. Review status: criteria provided, single submitter. Criteria: Invitae Variant Classification Sherloc (09022015). Collection method: clinical testing. Allele origin: germline.
Comment: In summary, the available evidence is currently insufficient to determine the role of this variant in disease. Therefore, it has been classified as a Variant of Uncertain Significance. Algorithms developed to predict the effect of missense changes on protein structure and function are either unavailable or do not agree on the potential impact of this missense change (SIFT: "Deleterious"; PolyPhen-2: "Benign"; Align-GVGD: "Class C0"). ClinVar contains an entry for this variant (Variation ID: 1003832). This variant has not been reported in the literature in individuals affected with SMARCA4-related conditions. This variant is not present in population databases (gnomAD no frequency). This sequence change replaces alanine, which is neutral and non-polar, with aspartic acid, which is acidic and polar, at codon 436 of the SMARCA4 protein (p.Ala436Asp).